The following is an entry in ClinVar:

ClinVar aggregate classification (germline): Uncertain significance. Review status: criteria provided, multiple submitters, no conflicts (2 of 4 stars). 2 submissions from 2 submitters: Uncertain significance (2). Last evaluated 2025-08-24.

Allele frequency attached by ClinVar (database versions not stated): gnomAD exomes below 0.00001.
gnomAD v4.1: 2 of 1,551,266 alleles (0.00013%); highest among the groups gnomAD compares: Non-Finnish European, 0.00017%; no homozygotes.

Submissions (2):

Labcorp Genetics (formerly Invitae), Labcorp
Classification: Uncertain significance. Last evaluated: 2025-08-24. Review status: criteria provided, single submitter. Criteria: Invitae Variant Classification Sherloc (09022015). Collection method: clinical testing. Allele origin: germline.
Comment: This sequence change replaces lysine, which is basic and polar, with asparagine, which is neutral and polar, at codon 55 of the GUF1 protein (p.Lys55Asn). This variant also falls at the last nucleotide of exon 1, which is part of the consensus splice site for this exon. This variant is not present in population databases (gnomAD no frequency). This variant has not been reported in the literature in individuals affected with GUF1-related conditions. ClinVar contains an entry for this variant (Variation ID: 2091043). An algorithm developed to predict the effect of missense changes on protein structure and function (PolyPhen-2) suggests that this variant is likely to be tolerated. Variants that disrupt the consensus splice site are a relatively common cause of aberrant splicing (PMID: 17576681, 9536098). Algorithms developed to predict the effect of sequence changes on RNA splicing suggest that this variant may disrupt the consensus splice site. In summary, the available evidence is currently insufficient to determine the role of this variant in disease. Therefore, it has been classified as a Variant of Uncertain Significance.

CeGaT Center for Human Genetics Tuebingen
Classification: Uncertain significance. Last evaluated: 2024-02-01. Review status: criteria provided, single submitter. Criteria: CeGaT Center For Human Genetics Tuebingen Variant Classification Criteria Version 2. Collection method: clinical testing. Allele origin: germline. Affected: yes. Observed: 1 variant allele.
Comment: GUF1: PM2, PP3

Literature cited by the submitters: PubMed 17576681 (cited by Labcorp Genetics (formerly Invitae), Labcorp); PubMed 9536098 (cited by Labcorp Genetics (formerly Invitae), Labcorp).

NM_021927.3(GUF1):c.165G>C (p.Lys55Asn)

Gene: GUF1 (GTP binding elongation factor GUF1; plus strand). Cytogenetic location: 4p12.
Variant type: single nucleotide variant.
Coding change: c.165G>C on transcript NM_021927.3 (MANE Select); coding-DNA position 165, G replaced by C.
Protein change: p.Lys55Asn; replaces lysine 55 with asparagine.
Molecular consequence: missense variant. On other transcripts: 5 prime UTR variant (2).
Genome position (GRCh38, 1-based): chr4:44,678,787, G>C. VCF-style: chr4-44678787-G-C. GRCh37 (hg19) VCF-style: chr4-44680804-G-C.
Other names: c.-804G>C (NM_001345867.2); c.165G>C, p.Lys55Asn (NM_001345868.2); c.-696G>C (NM_001345869.2); short protein forms K55N.
Identifiers: ClinVar variation 2091043 (VCV002091043.26), dbSNP rs2545485788, ClinGen allele CA356760107.